The following is an entry in ClinVar:

ClinVar aggregate classification (germline): Uncertain significance (1 of 4 stars; one submission).

gnomAD v4.1: 3 of 1,614,088 alleles (0.00019%); highest among the groups gnomAD compares: South Asian, 0.0033%; no homozygotes.

Submission:

Labcorp Genetics (formerly Invitae), Labcorp
Classification: Uncertain significance. Last evaluated: 2022-07-06. Review status: criteria provided, single submitter. Criteria: Invitae Variant Classification Sherloc (09022015). Collection method: clinical testing. Allele origin: germline.
Comment: This sequence change replaces asparagine, which is neutral and polar, with histidine, which is basic and polar, at codon 1027 of the ERBIN protein (p.Asn1027His). This variant is not present in population databases (gnomAD no frequency). This variant has not been reported in the literature in individuals affected with ERBIN-related conditions. ClinVar contains an entry for this variant (Variation ID: 1444603). Algorithms developed to predict the effect of missense changes on protein structure and function are either unavailable or do not agree on the potential impact of this missense change (SIFT: "Deleterious"; PolyPhen-2: "Probably Damaging"; Align-GVGD: "Class C0"). In summary, the available evidence is currently insufficient to determine the role of this variant in disease. Therefore, it has been classified as a Variant of Uncertain Significance.

NM_001253697.2(ERBIN):c.3079A>C (p.Asn1027His)

Gene: ERBIN (erbb2 interacting protein; plus strand). Cytogenetic location: 5q12.3.
Variant type: single nucleotide variant.
Coding change: c.3079A>C on transcript NM_001253697.2 (MANE Select); coding-DNA position 3079, A replaced by C.
Protein change: p.Asn1027His; replaces asparagine 1027 with histidine.
Molecular consequence: missense variant.
Genome position (GRCh38, 1-based): chr5:66,054,397, A>C. VCF-style: chr5-66054397-A-C. GRCh37 (hg19) VCF-style: chr5-65350225-A-C.
Other names: c.3079A>C, p.Asn1027His (NM_001006600.3, NM_001253698.2, NM_001253699.2 and 1 more transcripts); c.3067A>C, p.Asn1023His (NM_001253701.2); short protein forms N1023H, N1027H.
Identifiers: ClinVar variation 1444603 (VCV001444603.8), dbSNP rs931899749, ClinGen allele CA359868805.
Genomic context (GRCh38, chr5:66,054,397, plus strand): 5'-CCTCAGCTCCTTCCTAGATCAGAGAGCACAGAAAATCAAAGTTATGCTAAACATTCTGCC[A>C]ATATGAATTTCTCTAATCATAACAATGTTCGAGCTAATACTGCATACCATTTACATCAGA-3'
Protein context (NP_001240626.1, residues 1017-1037): ENQSYAKHSA[Asn1027His]MNFSNHNNVR